The following is an entry in ClinVar:

NM_001080414.4(CCDC88C):c.624+9G>A

Gene: CCDC88C (coiled-coil and HOOK domain protein 88C; minus strand). Cytogenetic location: 14q32.11.
Variant type: single nucleotide variant.
Coding change: c.624+9G>A on transcript NM_001080414.4 (MANE Select); 9 bases into the intron after coding-DNA position 624, G replaced by A.
Molecular consequence: intron variant.
Genome position (GRCh38, 1-based): chr14:91,339,875, C>T on the plus strand (G>A on the coding strand, the complement: CCDC88C is on the minus strand). VCF-style: chr14-91339875-C-T. GRCh37 (hg19) VCF-style: chr14-91806219-C-T.
Other names: c.624+9G>A (NM_001080414.3).
Identifiers: ClinVar variation 2964700 (VCV002964700.5), dbSNP rs375585119, ClinGen allele CA7310183.

ClinVar aggregate classification (germline): Likely benign. Review status: criteria provided, single submitter (1 of 4 stars). 2 submissions from 2 submitters: Likely benign (1). 1 of the submissions does not count toward it. Last evaluated 2023-12-04.

Conditions:
CCDC88C-related disorder. Also called: CCDC88C-Related Disorders; CCDC88C-related condition.

Allele frequency attached by ClinVar (database versions not stated): gnomAD exomes 0.00004; TOPMed 0.00004; gnomAD 0.00005; ExAC 0.00009; ESP Exome Variant Server 0.00016.
gnomAD v4.1: 69 of 1,576,122 alleles (0.0044%); highest among the groups gnomAD compares: African/African-American, 0.0095%; no homozygotes.

Submissions (2):

Labcorp Genetics (formerly Invitae), Labcorp
Classification: Likely benign. Last evaluated: 2023-12-04. Review status: criteria provided, single submitter. Criteria: Invitae Variant Classification Sherloc (09022015). Collection method: clinical testing. Allele origin: germline.

PreventionGenetics, part of Exact Sciences
Classification: Likely benign for CCDC88C-related condition. Last evaluated: 2019-03-22. Review status: no assertion criteria provided. Collection method: clinical testing. Allele origin: germline. Not counted in ClinVar's aggregate classification.
Comment: This variant is classified as likely benign based on ACMG/AMP sequence variant interpretation guidelines (Richards et al. 2015 PMID: 25741868, with internal and published modifications).